The following is an entry in ClinVar:

ClinVar aggregate classification (germline): Uncertain significance (1 of 4 stars; one submission).

Allele frequency attached by ClinVar (database versions not stated): TOPMed below 0.00001.

Submission:

Ambry Genetics
Classification: Uncertain significance. Last evaluated: 2025-07-25. Review status: criteria provided, single submitter. Criteria: Ambry Variant Classification Scheme 2023. Collection method: clinical testing. Allele origin: germline.
Comment: The p.E557K variant (also known as c.1669G>A), located in coding exon 13 of the RECQL gene, results from a G to A substitution at nucleotide position 1669. The glutamic acid at codon 557 is replaced by lysine, an amino acid with similar properties. This amino acid position is highly conserved in available vertebrate species. In addition, the in silico prediction for this alteration is inconclusive. Since supporting evidence is limited at this time, the clinical significance of this alteration remains unclear.

NM_002907.4(RECQL):c.1669G>A (p.Glu557Lys)

Genes: PYROXD1 (pyridine nucleotide-disulphide oxidoreductase domain 1; plus strand), RECQL (RecQ like helicase; minus strand). Cytogenetic location: 12p12.1.
Variant type: single nucleotide variant.
Coding change: c.1669G>A on transcript NM_002907.4 (MANE Select); coding-DNA position 1669, G replaced by A.
Protein change: p.Glu557Lys; replaces glutamic acid 557 with lysine.
Molecular consequence: missense variant. On other transcripts: 3 prime UTR variant (3).
Genome position (GRCh38, 1-based): chr12:21,471,097, C>T on the plus strand (G>A on the coding strand, the complement: RECQL is on the minus strand). VCF-style: chr12-21471097-C-T. GRCh37 (hg19) VCF-style: chr12-21624031-C-T.
Other names: c.1669G>A, p.Glu557Lys (NM_032941.3); c.*2343C>T (NM_001350912.2, NM_001350913.2, NM_024854.5); short protein forms E557K.
Identifiers: ClinVar variation 1777632 (VCV001777632.4), dbSNP rs3207640, ClinGen allele CA233564771.